The following is an entry in ClinVar:

ClinVar aggregate classification (germline): Uncertain significance (1 of 4 stars; one submission).

Submission:

Labcorp Genetics (formerly Invitae), Labcorp
Classification: Uncertain significance. Last evaluated: 2024-03-13. Review status: criteria provided, single submitter. Criteria: Invitae Variant Classification Sherloc (09022015). Collection method: clinical testing. Allele origin: germline.
Comment: This sequence change replaces isoleucine, which is neutral and non-polar, with serine, which is neutral and polar, at codon 278 of the ARCN1 protein (p.Ile278Ser). This variant is not present in population databases (gnomAD no frequency). This variant has not been reported in the literature in individuals affected with ARCN1-related conditions. An algorithm developed to predict the effect of missense changes on protein structure and function (PolyPhen-2) suggests that this variant is likely to be tolerated. In summary, the available evidence is currently insufficient to determine the role of this variant in disease. Therefore, it has been classified as a Variant of Uncertain Significance.

NM_001655.5(ARCN1):c.833T>G (p.Ile278Ser)

Gene: ARCN1 (archain 1 coat protein complex I subunit delta; plus strand). Cytogenetic location: 11q23.3.
Variant type: single nucleotide variant.
Coding change: c.833T>G on transcript NM_001655.5 (MANE Select); coding-DNA position 833, T replaced by G.
Protein change: p.Ile278Ser; replaces isoleucine 278 with serine.
Molecular consequence: missense variant. On other transcripts: non-coding transcript variant (2).
Genome position (GRCh38, 1-based): chr11:118,590,355, T>G. VCF-style: chr11-118590355-T-G. GRCh37 (hg19) VCF-style: chr11-118461070-T-G.
Other names: c.569T>G, p.Ile190Ser (NM_001142281.2, NM_001425081.1); c.833T>G, p.Ile278Ser (NM_001425073.1, NM_001425078.1); c.830T>G, p.Ile277Ser (NM_001425074.1, NM_001425079.1); c.776T>G, p.Ile259Ser (NM_001425075.1); c.764T>G, p.Ile255Ser (NM_001425076.1); c.668T>G, p.Ile223Ser (NM_001425077.1); c.389T>G, p.Ile130Ser (NM_001425080.1); short protein forms I190S, I223S, I259S, I130S, I278S, I255S, I277S.
Identifiers: ClinVar variation 3640743 (VCV003640743.2).
Genomic context (GRCh38, chr11:118,590,355, plus strand): 5'-ATTGGTTTCTACCTTTCTGAACAAATGTATTACTTTCTCTTTATAGTGTACATATGAAGA[T>G]TGAAGAAAAGATAACATTAACCTGTGGACGAGACGGAGGATTACAGAATATGGAGTTGCA-3'
Protein context (NP_001646.2, residues 268-288): PINMESVHMK[Ile278Ser]EEKITLTCGR